The following is an entry in ClinVar:

ClinVar aggregate classification (germline): Uncertain significance (1 of 4 stars; one submission).

Conditions:
CHARGE syndrome (CHARGE). Also called: Hittner Hirsch Kreh syndrome; CHARGE ASSOCIATION--COLOBOMA, HEART ANOMALY, CHOANAL ATRESIA, RETARDATION, GENITAL AND EAR ANOMALIES; Coloboma, heart anomaly, choanal atresia, retardation, genital and ear anomalies; CHARGE association; Hall-Hittner syndrome. Identifiers: Orphanet 138, MedGen C0265354, MONDO:0008965.

Submission:

Labcorp Genetics (formerly Invitae), Labcorp
Classification: Uncertain significance for CHARGE syndrome. Last evaluated: 2025-06-15. Review status: criteria provided, single submitter. Criteria: Invitae Variant Classification Sherloc (09022015). Collection method: clinical testing. Allele origin: germline.
Comment: This sequence change replaces asparagine, which is neutral and polar, with serine, which is neutral and polar, at codon 988 of the CHD7 protein (p.Asn988Ser). This variant is not present in population databases (gnomAD no frequency). This variant has not been reported in the literature in individuals affected with CHD7-related conditions. Invitae Evidence Modeling of protein sequence and biophysical properties (such as structural, functional, and spatial information, amino acid conservation, physicochemical variation, residue mobility, and thermodynamic stability) indicates that this missense variant is expected to disrupt CHD7 protein function with a positive predictive value of 80%. In summary, the available evidence is currently insufficient to determine the role of this variant in disease. Therefore, it has been classified as a Variant of Uncertain Significance.

NM_017780.4(CHD7):c.2963A>G (p.Asn988Ser)

Gene: CHD7 (chromodomain helicase DNA binding protein 7; plus strand). Cytogenetic location: 8q12.2.
Variant type: single nucleotide variant.
Coding change: c.2963A>G on transcript NM_017780.4 (MANE Select); coding-DNA position 2963, A replaced by G.
Protein change: p.Asn988Ser; replaces asparagine 988 with serine.
Molecular consequence: missense variant. On other transcripts: intron variant (1).
Genome position (GRCh38, 1-based): chr8:60,822,508, A>G. VCF-style: chr8-60822508-A-G. GRCh37 (hg19) VCF-style: chr8-61735067-A-G.
Other names: c.1717-39721A>G (NM_001316690.1); short protein forms N988S.
Identifiers: ClinVar variation 4746290 (VCV004746290.1).